The following is an entry in ClinVar:

ClinVar aggregate classification (germline): Uncertain significance (1 of 4 stars; one submission).

Conditions:
Autosomal recessive limb-girdle muscular dystrophy type 2O. Also called: MUSCULAR DYSTROPHY-DYSTROGLYCANOPATHY (LIMB-GIRDLE), TYPE C, 3; MUSCULAR DYSTROPHY-DYSTROGLYCANOPATHY, LIMB-GIRDLE, POMGNT1-RELATED; Limb-Girdle Muscular Dystrophy Type 3C. Identifiers: Orphanet 206564, MedGen C3150417, MONDO:0013161, OMIM 613157.
Muscular dystrophy-dystroglycanopathy (congenital with impaired intellectual development), type B, 3. Also called: Muscular dystrophy-dystroglycanopathy (congenital with intellectual disability), type B3; MUSCULAR DYSTROPHY, CONGENITAL, POMGNT1-RELATED. Identifiers: MedGen C3150412, MONDO:0013155, OMIM 613151.

Submission:

Labcorp Genetics (formerly Invitae), Labcorp
Classification: Uncertain significance for Autosomal recessive limb-girdle muscular dystrophy type 2O; Muscular dystrophy-dystroglycanopathy (congenital with impaired intellectual development), type B, 3. Last evaluated: 2021-08-30. Review status: criteria provided, single submitter. Criteria: Invitae Variant Classification Sherloc (09022015). Collection method: clinical testing. Allele origin: germline.
Comment: This sequence change replaces glutamic acid with valine at codon 385 of the POMGNT1 protein (p.Glu385Val). The glutamic acid residue is moderately conserved and there is a moderate physicochemical difference between glutamic acid and valine. This variant is not present in population databases (ExAC no frequency). This variant has not been reported in the literature in individuals affected with POMGNT1-related conditions. Algorithms developed to predict the effect of missense changes on protein structure and function are either unavailable or do not agree on the potential impact of this missense change (SIFT: "Deleterious"; PolyPhen-2: "Benign"; Align-GVGD: "Class C35"). In summary, the available evidence is currently insufficient to determine the role of this variant in disease. Therefore, it has been classified as a Variant of Uncertain Significance.

NM_017739.4(POMGNT1):c.1154A>T (p.Glu385Val)

Genes: POMGNT1 (protein O-linked mannose N-acetylglucosaminyltransferase 1 (beta 1,2-); minus strand), TSPAN1 (tetraspanin 1; plus strand). Cytogenetic location: 1p34.1.
Variant type: single nucleotide variant.
Coding change: c.1154A>T on transcript NM_017739.4 (MANE Select); coding-DNA position 1154, A replaced by T.
Protein change: p.Glu385Val; replaces glutamic acid 385 with valine.
Molecular consequence: missense variant.
Genome position (GRCh38, 1-based): chr1:46,192,957, T>A on the plus strand (A>T on the coding strand, the complement: POMGNT1 is on the minus strand). VCF-style: chr1-46192957-T-A. GRCh37 (hg19) VCF-style: chr1-46658629-T-A.
Other names: c.725A>T, p.Glu242Val (NM_001290130.2); c.1154A>T, p.Glu385Val (NM_001410783.1, NM_001243766.2); c.1088A>T, p.Glu363Val (NM_001290129.3); short protein forms E363V, E385V, E242V.
Identifiers: ClinVar variation 972426 (VCV000972426.7), dbSNP rs1657900516, ClinGen allele CA340179214.